The following is an entry in ClinVar:

NM_004371.4(COPA):c.2677-2A>G

Gene: COPA (COPI coat complex subunit alpha; minus strand). Cytogenetic location: 1q23.2.
Variant type: single nucleotide variant.
Coding change: c.2677-2A>G on transcript NM_004371.4 (MANE Select); the canonical splice acceptor site of the intron before coding-DNA position 2677, A replaced by G.
Molecular consequence: splice acceptor variant.
Genome position (GRCh38, 1-based): chr1:160,293,465, T>C on the plus strand (A>G on the coding strand, the complement: COPA is on the minus strand). VCF-style: chr1-160293465-T-C. GRCh37 (hg19) VCF-style: chr1-160263255-T-C.
Other names: c.2704-2A>G (NM_001098398.2).
Identifiers: ClinVar variation 1698035 (VCV001698035.2), dbSNP rs2101822790, ClinGen allele CA343275167.

ClinVar aggregate classification (germline): Uncertain significance (1 of 4 stars; one submission).

Submission:

GeneDx
Classification: Uncertain significance. Last evaluated: 2022-01-24. Review status: criteria provided, single submitter. Criteria: GeneDx Variant Classification Process June 2021. Collection method: clinical testing. Allele origin: germline. Affected: yes.
Comment: Not observed at significant frequency in large population cohorts (gnomAD); Canonical splice site variant in a gene for which loss-of-function is not a known mechanism of disease; Has not been previously published as pathogenic or benign to our knowledge